The following is an entry in ClinVar:

NM_004937.3(CTNS):c.*631T>C

Gene: CTNS (cystinosin, lysosomal cystine transporter; plus strand). Cytogenetic location: 17p13.2.
Variant type: single nucleotide variant.
Coding change: c.*631T>C on transcript NM_004937.3 (MANE Select); 631 bases downstream of the stop codon, T replaced by C.
Molecular consequence: 3 prime UTR variant.
Genome position (GRCh38, 1-based): chr17:3,661,000, T>C. VCF-style: chr17-3661000-T-C. GRCh37 (hg19) VCF-style: chr17-3564294-T-C.
Other names: c.*266T>C (NM_001031681.3, NM_001374492.1); c.*631T>C (NM_001374493.1, NM_001374494.1, NM_001374495.1 and 1 more transcripts).
Identifiers: ClinVar variation 322861 (VCV000322861.8), dbSNP rs1048648, ClinGen allele CA10645478.

ClinVar aggregate classification (germline): Benign. Review status: criteria provided, multiple submitters, no conflicts (2 of 4 stars). 4 submissions from 3 submitters: Benign (4). Last evaluated 2018-06-19.

Conditions:
Nephropathic cystinosis (CTNS). Also called: CYSTINOSIN, DEFECT OF; LYSOSOMAL CYSTINE TRANSPORT PROTEIN, DEFECT OF; Abderhalden Lignac Kaufmann disease; Abderhalden-Kaufmann-Lignac syndrome. Identifiers: Orphanet 213, Orphanet 411629, MedGen C2931187, MONDO:0100151, OMIM 219800.
Ocular cystinosis. Also called: Non-Nephropathic (Ocular) Cystinosis; Non-Nephropathic Cystinosis. Identifiers: Orphanet 213, Orphanet 411641, MedGen C2931013, MONDO:0009064, OMIM 219750.

Allele frequency attached by ClinVar (database versions not stated): TOPMed 0.18956; gnomAD 0.19488 and 0.19739; 1000 Genomes Project 0.19808; 1000 Genomes Project 30x 0.19925; gnomAD exomes 0.21522.

Submissions (4):

GeneDx
Classification: Benign. Last evaluated: 2018-06-19. Review status: criteria provided, single submitter. Criteria: GeneDx Variant Classification Process June 2021. Collection method: clinical testing. Allele origin: germline. Affected: yes.

Illumina Laboratory Services, Illumina
Classification: Benign for Ocular cystinosis. Last evaluated: 2018-01-13. Review status: criteria provided, single submitter. Criteria: ICSL Variant Classification Criteria 13 December 2019. Collection method: clinical testing. Allele origin: germline.
Comment: This variant was observed in the ICSL laboratory as part of a predisposition screen in an ostensibly healthy population. It had not been previously curated by ICSL or reported in the Human Gene Mutation Database (HGMD: prior to June 1st, 2018), and was therefore a candidate for classification through an automated scoring system. Utilizing variant allele frequency, disease prevalence and penetrance estimates, and inheritance mode, an automated score was calculated to assess if this variant is too frequent to cause the disease. Based on the score and internal cut-off values, a variant classified as benign is not then subjected to further curation. The score for this variant resulted in a classification of benign for this disease.

Illumina Laboratory Services, Illumina
Classification: Benign for Nephropathic cystinosis. Last evaluated: 2018-01-13. Review status: criteria provided, single submitter. Criteria: ICSL Variant Classification Criteria 13 December 2019. Collection method: clinical testing. Allele origin: germline.
Comment: the same text as in the submission from Illumina Laboratory Services, Illumina above.

Breakthrough Genomics
Classification: Benign. Review status: criteria provided, single submitter. Criteria: ACMG Guidelines, 2015. Collection method: not provided. Allele origin: germline. Inheritance: Autosomal recessive inheritance. Affected: yes.